The following is an entry in ClinVar:

ClinVar aggregate classification (germline): Conflicting classifications of pathogenicity. Review status: criteria provided, conflicting classifications (1 of 4 stars). 3 submissions from 3 submitters: Likely pathogenic (2); Uncertain significance (1). Last evaluated 2026-01-05.

Conditions:
RYR1-related disorder. Also called: RYR1-related condition; RYR1-related disorders. Identifiers: MedGen CN239331.
Malignant hyperthermia, susceptibility to, 1 (MHS1). Also called: Anesthesia related hyperthermia; Malignant hyperpyrexia; Fulminating hyperpyrexia; Pharmacogenic myopathy; RYR1-Related Malignant Hyperthermia Susceptibility; Malignant hyperthermia suceptibility 1. Identifiers: Orphanet 423, MedGen C2930980, MONDO:0007783, OMIM 145600.

Allele frequency attached by ClinVar (database versions not stated): gnomAD exomes below 0.00001; ExAC 0.00001.
gnomAD v4.1: 1 of 1,609,740 alleles (0.000062%); highest among the groups gnomAD compares: Admixed American, 0.0017%; no homozygotes.

Submissions (3):

GeneDx
Classification: Likely pathogenic. Last evaluated: 2026-01-05. Review status: criteria provided, single submitter. Criteria: GeneDx Variant Classification Process June 2021. Collection method: clinical testing. Allele origin: germline.
Comment: Canonical splice site variant predicted to result in an in-frame loss of the adjacent exon in a gene for which loss of function is a known mechanism of disease; Not observed at significant frequency in large population cohorts (gnomAD); Deletions involving coding exons of this gene are a known mechanism of disease (HGMD); Has not been previously published as pathogenic or benign to our knowledge

Color Diagnostics, LLC DBA Color Health
Classification: Uncertain significance for Malignant hyperthermia, susceptibility to, 1. Last evaluated: 2025-05-29. Review status: criteria provided, single submitter. Criteria: ACMG Guidelines, 2015. Collection method: clinical testing. Allele origin: germline.
Comment: This variant causes a T to G nucleotide substitution at the +2 position of intron 73 of the RYR1 gene. To our knowledge, functional studies have not been reported for this variant. This variant has not been reported in individuals affected with RYR1-related disorders in the literature. This variant has been identified in 1/250720 chromosomes in the general population by the Genome Aggregation Database (gnomAD). Loss of RYR1 function due to haploinsufficiency is associated with congenital myopathy, but it is not an established disease mechanism for autosomal dominant malignant hyperthermia susceptibility. The available evidence is insufficient to determine the role of this variant in malignant hyperthermia susceptibility conclusively. Therefore, this variant is classified as a Variant of Uncertain Significance.

Labcorp Genetics (formerly Invitae), Labcorp
Classification: Likely pathogenic for RYR1-related disorder. Last evaluated: 2023-11-03. Review status: criteria provided, single submitter. Criteria: Invitae Variant Classification Sherloc (09022015). Collection method: clinical testing. Allele origin: germline.
Comment: This sequence change affects a donor splice site in intron 73 of the RYR1 gene. It is expected to disrupt RNA splicing. Variants that disrupt the donor or acceptor splice site typically lead to a loss of protein function (PMID: 16199547), and loss-of-function variants in RYR1 are known to be pathogenic (PMID: 23919265, 25960145, 28818389, 30611313). This variant is present in population databases (rs111446464, gnomAD 0.003%). This variant has not been reported in the literature in individuals affected with RYR1-related conditions. ClinVar contains an entry for this variant (Variation ID: 2430621). Algorithms developed to predict the effect of sequence changes on RNA splicing suggest that this variant may disrupt the consensus splice site. In summary, the currently available evidence indicates that the variant is pathogenic, but additional data are needed to prove that conclusively. Therefore, this variant has been classified as Likely Pathogenic.

Literature cited by the submitters: PubMed 16199547 (cited by Labcorp Genetics (formerly Invitae), Labcorp); PubMed 23919265 (cited by Labcorp Genetics (formerly Invitae), Labcorp); PubMed 25960145 (cited by Labcorp Genetics (formerly Invitae), Labcorp); PubMed 28818389 (cited by Labcorp Genetics (formerly Invitae), Labcorp); PubMed 30611313 (cited by Labcorp Genetics (formerly Invitae), Labcorp).

NM_000540.3(RYR1):c.10824+2T>G

Gene: RYR1 (ryanodine receptor 1; plus strand). Cytogenetic location: 19q13.2.
Variant type: single nucleotide variant.
Coding change: c.10824+2T>G on transcript NM_000540.3 (MANE Select); the canonical splice donor site of the intron after coding-DNA position 10824, T replaced by G.
Molecular consequence: splice donor variant.
Genome position (GRCh38, 1-based): chr19:38,527,786, T>G. VCF-style: chr19-38527786-T-G. GRCh37 (hg19) VCF-style: chr19-39018426-T-G.
Other names: c.10809+2T>G (NM_001042723.2).
Identifiers: ClinVar variation 2430621 (VCV002430621.4), dbSNP rs111446464, ClinGen allele CA054802.